The following is an entry in ClinVar:

ClinVar aggregate classification (germline): Pathogenic/Likely pathogenic. Review status: criteria provided, multiple submitters, no conflicts (2 of 4 stars). 5 submissions from 5 submitters: Pathogenic (2); Likely pathogenic (2). 1 of the submissions does not count toward it. Last evaluated 2026-02-01.

Conditions:
Hereditary cancer-predisposing syndrome. Also called: Hereditary Cancer Syndrome; Tumor predisposition; Neoplastic Syndromes, Hereditary; Hereditary neoplastic syndrome. Identifiers: Orphanet 140162, MedGen C0027672, MeSH D009386, MONDO:0015356.
Tuberous sclerosis syndrome (TSC). Also called: Tuberous Sclerosis Complex; Tuberous sclerosis. Identifiers: Orphanet 805, MedGen C0041341, MONDO:0001734.
Tuberous sclerosis 2 (TSC2). Identifiers: Orphanet 805, MedGen C1860707, MONDO:0013199, OMIM 613254.

Submissions (5):

CeGaT Center for Human Genetics Tuebingen
Classification: Pathogenic. Last evaluated: 2026-02-01. Review status: criteria provided, single submitter. Criteria: CeGaT Center For Human Genetics Tuebingen Variant Classification Criteria Version 2. Collection method: clinical testing. Allele origin: germline. Affected: yes. Observed: 1 variant allele.
Comment: TSC2: PM1:Strong, PM2, PS3:Moderate, PS4:Moderate

Ambry Genetics
Classification: Pathogenic for Hereditary cancer-predisposing syndrome. Last evaluated: 2025-12-29. Review status: criteria provided, single submitter. Criteria: Ambry Variant Classification Scheme 2023. Collection method: clinical testing. Allele origin: germline.
Comment: The p.Y598H pathogenic mutation (also known as c.1792T>C), located in coding exon 16 of the TSC2 gene, results from a T to C substitution at nucleotide position 1792. The tyrosine at codon 598 is replaced by histidine, an amino acid with similar properties. This variant was reported in individual(s) with features consistent with tuberous sclerosis complex (Nellist M et al. BMC Med Genet, 2008 Feb;9:10; Ambry internal data). In multiple assays testing TSC2 function, this variant showed functionally abnormal results (Nellist M et al. BMC Med Genet, 2008 Feb;9:10; Hoogeveen-Westerveld M et al. Hum Mutat, 2011 Apr;32:424-35). This amino acid position is highly conserved in available vertebrate species. In addition, this alteration is predicted to be deleterious by in silico analysis. Based on the supporting evidence, this variant is interpreted as a disease-causing mutation.

Labcorp Genetics (formerly Invitae), Labcorp
Classification: Likely pathogenic for Tuberous sclerosis 2. Last evaluated: 2021-04-23. Review status: criteria provided, single submitter. Criteria: Invitae Variant Classification Sherloc (09022015). Collection method: clinical testing. Allele origin: germline.
Comment: Experimental studies have shown that this variant affects TSC2 protein function (PMID: 18302728, 21309039). In summary, the currently available evidence indicates that the variant is pathogenic, but additional data are needed to prove that conclusively. Therefore, this variant has been classified as Likely Pathogenic. This variant disrupts the p.Tyr598 amino acid residue in TSC2. Other variant(s) that disrupt this residue have been observed in individuals with TSC2-related conditions (PMID:22903760, Invitae), which suggests that this may be a clinically significant amino acid residue. Advanced modeling of protein sequence and biophysical properties (such as structural, functional, and spatial information, amino acid conservation, physicochemical variation, residue mobility, and thermodynamic stability) performed at Invitae indicates that this missense variant is expected to disrupt TSC2 protein function. This variant has been observed in individual(s) with clinical features of tuberous sclerosis complex (PMID: 18302728, 22974335, Invitae). ClinVar contains an entry for this variant (Variation ID: 49175). This variant is not present in population databases (ExAC no frequency). This sequence change replaces tyrosine with histidine at codon 598 of the TSC2 protein (p.Tyr598His). The tyrosine residue is highly conserved and there is a moderate physicochemical difference between tyrosine and histidine.

Laboratory for Molecular Medicine, Mass General Brigham Personalized Medicine
Classification: Likely pathogenic for Tuberous sclerosis syndrome. Last evaluated: 2018-04-06. Review status: criteria provided, single submitter. Criteria: LMM Criteria. Collection method: clinical testing. Allele origin: germline. Inheritance: Autosomal dominant inheritance. Observed: 3 variant alleles.
Comment: The p.Tyr568His variant in TSC2 has been reported in at least 4 individuals with tuberous sclerosis complex (TSC), including at least one de novo occurrence (Ne llist 2008, LOVD-TSC2 database-). This variant was absent from large population studies. In vitro functional studies provide s ome evidence that the p.Tyr568His variant may impact protein function by impairi ng TSC1-TSC2 binding (Nellist 2008). Additionally, computational prediction tool s and conservation analysis suggest that the p.Tyr598His variant may impact the protein. In summary, although additional studies are required to fully establish its clinical significance, the p.Tyr598His variant is likely pathogenic. ACMG/A MP Criteria applied (Richards 2015): PM2; PM6; PS3_Supporting; PP3; PS4_Moderate .

Tuberous sclerosis database (TSC2)
No classification provided. Condition: TSC. Review status: no classification provided. Criteria: Tuberous Sclerosis Database Assertion Criteria 2015. Collection method: curation. Allele origin: germline. Affected: yes. Not counted in ClinVar's aggregate classification.

Literature cited by the submitters: PubMed 18302728 (cited by 3 submitters); PubMed 21309039 (cited by Ambry Genetics and Labcorp Genetics (formerly Invitae), Labcorp); PubMed 22903760 (cited by Labcorp Genetics (formerly Invitae), Labcorp); PubMed 22974335 (cited by Labcorp Genetics (formerly Invitae), Labcorp).

NM_000548.5(TSC2):c.1792T>C (p.Tyr598His)

Gene: TSC2 (TSC complex subunit 2; plus strand). Cytogenetic location: 16p13.3.
Variant type: single nucleotide variant.
Coding change: c.1792T>C on transcript NM_000548.5 (MANE Select); coding-DNA position 1792, T replaced by C.
Protein change: p.Tyr598His; replaces tyrosine 598 with histidine.
Molecular consequence: missense variant.
Genome position (GRCh38, 1-based): chr16:2,070,531, T>C. VCF-style: chr16-2070531-T-C. GRCh37 (hg19) VCF-style: chr16-2120532-T-C.
Other names: p.Tyr598His; c.1792T>C, p.Tyr598His (NM_001077183.3, NM_001114382.3, NM_001363528.2 and 3 more transcripts); c.1681T>C, p.Tyr561His (NM_001318827.2); c.1645T>C, p.Tyr549His (NM_001318829.2); c.1192T>C, p.Tyr398His (NM_001318831.2); c.1825T>C, p.Tyr609His (NM_001318832.2); short protein forms Y598H, Y609H, Y549H, Y398H, Y561H.
Identifiers: ClinVar variation 49175 (VCV000049175.14), dbSNP rs45517201, ClinGen allele CA015786.